The following is an entry in ClinVar:

ClinVar aggregate classification (germline): Uncertain significance. Review status: criteria provided, multiple submitters, no conflicts (2 of 4 stars). 2 submissions from 2 submitters: Uncertain significance (2). Last evaluated 2025-02-23.

Conditions:
Hereditary cancer-predisposing syndrome. Also called: Neoplastic Syndromes, Hereditary; Tumor predisposition; Hereditary neoplastic syndrome; Hereditary Cancer Syndrome. Identifiers: Orphanet 140162, MedGen C0027672, MeSH D009386, MONDO:0015356.
Tuberous sclerosis 1 (TSC1). Identifiers: Orphanet 805, MedGen C1854465, MONDO:0008612, OMIM 191100.

Allele frequency attached by ClinVar (database versions not stated): gnomAD exomes below 0.00001.
gnomAD v4.1: 1 of 1,614,142 alleles (0.000062%); highest among the groups gnomAD compares: African/African-American, 0.0013%; no homozygotes.

Submissions (2):

Labcorp Genetics (formerly Invitae), Labcorp
Classification: Uncertain significance for Tuberous sclerosis 1. Last evaluated: 2025-02-23. Review status: criteria provided, single submitter. Criteria: Invitae Variant Classification Sherloc (09022015). Collection method: clinical testing. Allele origin: germline.
Comment: This sequence change replaces alanine, which is neutral and non-polar, with valine, which is neutral and non-polar, at codon 950 of the TSC1 protein (p.Ala950Val). This variant is not present in population databases (gnomAD no frequency). This variant has not been reported in the literature in individuals affected with TSC1-related conditions. ClinVar contains an entry for this variant (Variation ID: 1796800). Invitae Evidence Modeling of protein sequence and biophysical properties (such as structural, functional, and spatial information, amino acid conservation, physicochemical variation, residue mobility, and thermodynamic stability) indicates that this missense variant is not expected to disrupt TSC1 protein function with a negative predictive value of 95%. In summary, the available evidence is currently insufficient to determine the role of this variant in disease. Therefore, it has been classified as a Variant of Uncertain Significance.

Ambry Genetics
Classification: Uncertain significance for Hereditary cancer-predisposing syndrome. Last evaluated: 2024-10-02. Review status: criteria provided, single submitter. Criteria: Ambry Variant Classification Scheme 2023. Collection method: clinical testing. Allele origin: germline.
Comment: The p.A950V variant (also known as c.2849C>T), located in coding exon 20 of the TSC1 gene, results from a C to T substitution at nucleotide position 2849. The alanine at codon 950 is replaced by valine, an amino acid with similar properties. This amino acid position is highly conserved in available vertebrate species. In addition, the in silico prediction for this alteration is inconclusive. Based on the available evidence, the clinical significance of this variant remains unclear.

NM_000368.5(TSC1):c.2849C>T (p.Ala950Val)

Gene: TSC1 (TSC complex subunit 1; minus strand). Cytogenetic location: 9q34.13.
Variant type: single nucleotide variant.
Coding change: c.2849C>T on transcript NM_000368.5 (MANE Select); coding-DNA position 2849, C replaced by T.
Protein change: p.Ala950Val; replaces alanine 950 with valine.
Molecular consequence: missense variant.
Genome position (GRCh38, 1-based): chr9:132,897,310, G>A on the plus strand (C>T on the coding strand, the complement: TSC1 is on the minus strand). VCF-style: chr9-132897310-G-A. GRCh37 (hg19) VCF-style: chr9-135772697-G-A.
Other names: c.2846C>T, p.Ala949Val (NM_001406598.1, NM_001406599.1, NM_001406600.1 and 2 more transcripts); c.2834C>T, p.Ala945Val (NM_001406601.1, NM_001406602.1); c.2831C>T, p.Ala944Val (NM_001406603.1, NM_001406604.1); c.2807C>T, p.Ala936Val (NM_001406605.1, NM_001406606.1, NM_001406607.1); c.2486C>T, p.Ala829Val (NM_001406617.1, NM_001406618.1, NM_001406619.1 and 4 more transcripts); c.2483C>T, p.Ala828Val (NM_001406620.1, NM_001406621.1, NM_001406622.1 and 1 more transcripts); c.2444C>T, p.Ala815Val (NM_001406624.1); c.2441C>T, p.Ala814Val (NM_001406625.1); and 8 more; short protein forms A599V, A814V, A828V, A899V, A936V, A633V, A815V, A829V.
Identifiers: ClinVar variation 1796800 (VCV001796800.6), dbSNP rs2538481393, ClinGen allele CA375368873.